The following is an entry in ClinVar:

ClinVar aggregate classification (germline): Uncertain significance. Review status: criteria provided, multiple submitters, no conflicts (2 of 4 stars). 2 submissions from 2 submitters: Uncertain significance (2). Last evaluated 2024-01-29.

Allele frequency attached by ClinVar (database versions not stated): gnomAD exomes below 0.00001; gnomAD 0.00001; TOPMed 0.00005.
gnomAD v4.1: 4 of 1,612,426 alleles (0.00025%); highest among the groups gnomAD compares: Admixed American, 0.0067%; no homozygotes.

Submissions (2):

Ambry Genetics
Classification: Uncertain significance. Last evaluated: 2024-01-29. Review status: criteria provided, single submitter. Criteria: Ambry Variant Classification Scheme 2023. Collection method: clinical testing. Allele origin: germline.

Labcorp Genetics (formerly Invitae), Labcorp
Classification: Uncertain significance. Last evaluated: 2021-09-01. Review status: criteria provided, single submitter. Criteria: Invitae Variant Classification Sherloc (09022015). Collection method: clinical testing. Allele origin: germline.
Comment: This sequence change replaces serine with glycine at codon 1295 of the ELP1 protein (p.Ser1295Gly). The serine residue is moderately conserved and there is a small physicochemical difference between serine and glycine. This variant is not present in population databases (ExAC no frequency). This variant has not been reported in the literature in individuals affected with ELP1-related conditions. Algorithms developed to predict the effect of missense changes on protein structure and function are either unavailable or do not agree on the potential impact of this missense change (SIFT: "Deleterious"; PolyPhen-2: "Probably Damaging"; Align-GVGD: "Class C0"). In summary, the available evidence is currently insufficient to determine the role of this variant in disease. Therefore, it has been classified as a Variant of Uncertain Significance.

NM_003640.5(ELP1):c.3883A>G (p.Ser1295Gly)

Gene: ELP1 (elongator acetyltransferase complex subunit 1; minus strand). Cytogenetic location: 9q31.3.
Variant type: single nucleotide variant.
Coding change: c.3883A>G on transcript NM_003640.5 (MANE Select); coding-DNA position 3883, A replaced by G.
Protein change: p.Ser1295Gly; replaces serine 1295 with glycine.
Molecular consequence: missense variant.
Genome position (GRCh38, 1-based): chr9:108,874,943, T>C on the plus strand (A>G on the coding strand, the complement: ELP1 is on the minus strand). VCF-style: chr9-108874943-T-C. GRCh37 (hg19) VCF-style: chr9-111637223-T-C.
Other names: c.3541A>G, p.Ser1181Gly (NM_001318360.2); c.2836A>G, p.Ser946Gly (NM_001330749.2); c.3883A>G (NM_003640.3); short protein forms S1181G, S946G, S1295G.
Identifiers: ClinVar variation 1430593 (VCV001430593.6), dbSNP rs989681376, ClinGen allele CA197517769.